The following is an entry in ClinVar:

ClinVar aggregate classification (germline): Pathogenic. Review status: criteria provided, single submitter (1 of 4 stars). 2 submissions from 2 submitters: Pathogenic (1). 1 of the submissions does not count toward it. Last evaluated 2026-03-26.

Conditions:
Pigmentary pallidal degeneration (NBIA1). Also called: HARP SYNDROME; Pantothenate Kinase-Associated Neurodegeneration; Neurodegeneration with brain iron accumulation 1; PKAN NEUROAXONAL DYSTROPHY, JUVENILE-ONSET; Neuroaxonal dystrophy, late infantile; Hallervorden-Spatz disease. Identifiers: Orphanet 157850, MedGen C0018523, MONDO:0009319, OMIM 234200.

Submissions (2):

GeneDx
Classification: Pathogenic. Last evaluated: 2026-03-26. Review status: criteria provided, single submitter. Criteria: GeneDx Variant Classification Process June 2021. Collection method: clinical testing. Allele origin: germline.
Comment: Frameshift variant predicted to result in protein truncation or nonsense mediated decay in a gene for which loss of function is a known mechanism of disease; Not observed at significant frequency in large population cohorts (gnomAD); This variant is associated with the following publications: (PMID: 11479594)

OMIM
Classification: Pathogenic for NEURODEGENERATION WITH BRAIN IRON ACCUMULATION 1. Last evaluated: 2001-08-01. Review status: no assertion criteria provided. Collection method: literature only. Allele origin: germline. Not counted in ClinVar's aggregate classification.

Literature cited by the submitters: PubMed 11479594 (cited by OMIM).

NM_001386393.1(PANK2):c.600_606del (p.Phe201fs)

Gene: PANK2 (pantothenate kinase 2; plus strand). Cytogenetic location: 20p13.
Variant type: Deletion.
Coding change: c.600_606del on transcript NM_001386393.1 (MANE Select); coding-DNA positions 600 to 606, 7 bases deleted (CTTTTGT; older notation c.600_606delCTTTTGT).
Protein change: p.Phe201fs; shifts the reading frame from phenylalanine 201.
Molecular consequence: frameshift variant. On other transcripts: intron variant (1).
Genome position (GRCh38, 1-based): chr20:3,908,227-3,908,233, CTTTTGT deleted; deleting any 7 consecutive bases within chr20:3,908,224-3,908,233 gives the same sequence; the c. name uses the placement nearest the transcript's 3' end. VCF-style (leftmost placement, unchanged base first): chr20-3908223-CTGTCTTT-C. GRCh37 (hg19) VCF-style: chr20-3888870-CTGTCTTT-C.
Other names: c.597_603del (BK000010.1); c.57_63del, p.Phe20fs (NM_001324191.2, NM_024960.6, NM_153640.4); c.930_936del, p.Phe311fs (NM_001324192.1, NM_153638.4); c.-328+92_-328+98del (NM_001324193.2); c.930_936del (NM_153638.2); short protein forms F20fs, F311fs, F201fs.
Identifiers: ClinVar variation 4547 (VCV000004547.4), dbSNP rs879253712, ClinGen allele CA10575486.